The following is an entry in ClinVar:

NM_000535.7(PMS2):c.2318G>C (p.Ser773Thr)

Gene: PMS2 (PMS1 homolog 2, mismatch repair system component; minus strand). Cytogenetic location: 7p22.1.
Variant type: single nucleotide variant.
Coding change: c.2318G>C on transcript NM_000535.7 (MANE Select); coding-DNA position 2318, G replaced by C.
Protein change: p.Ser773Thr; replaces serine 773 with threonine.
Molecular consequence: missense variant.
Genome position (GRCh38, 1-based): chr7:5,977,715, C>G on the plus strand (G>C on the coding strand, the complement: PMS2 is on the minus strand). VCF-style: chr7-5977715-C-G. GRCh37 (hg19) VCF-style: chr7-6017346-C-G.
Other names: c.1913G>C, p.Ser638Thr (NM_001018040.1, NM_001322003.2, NM_001322004.2 and 12 more transcripts); c.2162G>C, p.Ser721Thr (NM_001322006.2); c.2000G>C, p.Ser667Thr (NM_001322007.2, NM_001322008.2, NM_001406883.1); c.1946G>C, p.Ser649Thr (NM_001322009.2, NM_001406887.1, NM_001406888.1); c.1757G>C, p.Ser586Thr (NM_001322010.2, NM_001406906.1, NM_001406907.1); c.1385G>C, p.Ser462Thr (NM_001322011.2, NM_001322012.2); c.1745G>C, p.Ser582Thr (NM_001322013.2, NM_001406908.1, NM_001406909.1); c.2351G>C, p.Ser784Thr (NM_001322014.2); and 18 more; short protein forms S372T, S582T, S638T, S649T, S661T, S717T, S732T, S516T.
Identifiers: ClinVar variation 1789518 (VCV001789518.6), dbSNP rs2128675070, ClinGen allele CA366736017.

ClinVar aggregate classification (germline): Uncertain significance. Review status: criteria provided, multiple submitters, no conflicts (2 of 4 stars). 3 submissions from 3 submitters: Uncertain significance (3). Last evaluated 2024-02-01.

Conditions:
Mismatch repair cancer syndrome 4. Identifiers: MedGen C5436817, MONDO:0030843, OMIM 619101.
Lynch syndrome 4 (LYNCH4). Also called: Colorectal cancer, hereditary nonpolyposis, type 4; Hereditary non-polyposis colorectal cancer, type 4. Identifiers: Orphanet 144, MedGen C1838333, MONDO:0013699, OMIM 614337. Disease mechanism: loss of function.
Hereditary nonpolyposis colorectal neoplasms. Identifiers: MedGen C0009405, MeSH D003123.
Hereditary cancer-predisposing syndrome. Also called: Hereditary Cancer Syndrome; Hereditary neoplastic syndrome; Tumor predisposition; Neoplastic Syndromes, Hereditary. Identifiers: Orphanet 140162, MedGen C0027672, MeSH D009386, MONDO:0015356.

Submissions (3):

Fulgent Genetics
Classification: Uncertain significance for Lynch syndrome 4; Mismatch repair cancer syndrome 4. Last evaluated: 2024-02-01. Review status: criteria provided, single submitter. Criteria: ACMG Guidelines, 2015. Collection method: clinical testing. Allele origin: germline.

Labcorp Genetics (formerly Invitae), Labcorp
Classification: Uncertain significance for Hereditary nonpolyposis colorectal neoplasms. Last evaluated: 2023-05-16. Review status: criteria provided, single submitter. Criteria: Invitae Variant Classification Sherloc (09022015). Collection method: clinical testing. Allele origin: germline.
Comment: ClinVar contains an entry for this variant (Variation ID: 1789518). In summary, the available evidence is currently insufficient to determine the role of this variant in disease. Therefore, it has been classified as a Variant of Uncertain Significance. Algorithms developed to predict the effect of sequence changes on RNA splicing suggest that this variant may disrupt the consensus splice site. Advanced modeling of protein sequence and biophysical properties (such as structural, functional, and spatial information, amino acid conservation, physicochemical variation, residue mobility, and thermodynamic stability) performed at Invitae indicates that this missense variant is expected to disrupt PMS2 protein function. This variant has not been reported in the literature in individuals affected with PMS2-related conditions. The frequency data for this variant in the population databases (gnomAD) is considered unreliable due to the presence of homologous sequence, such as pseudogenes or paralogs, in the genome. This sequence change replaces serine, which is neutral and polar, with threonine, which is neutral and polar, at codon 773 of the PMS2 protein (p.Ser773Thr).

Ambry Genetics
Classification: Uncertain significance for Hereditary cancer-predisposing syndrome. Last evaluated: 2021-12-17. Review status: criteria provided, single submitter. Criteria: Ambry Variant Classification Scheme 2023. Collection method: clinical testing. Allele origin: germline.
Comment: The p.S773T variant (also known as c.2318G>C), located in coding exon 14 of the PMS2 gene, results from a G to C substitution at nucleotide position 2318. The serine at codon 773 is replaced by threonine, an amino acid with similar properties. This amino acid position is highly conserved in available vertebrate species. In addition, this alteration is predicted to be deleterious by in silico analysis. Since supporting evidence is limited at this time, the clinical significance of this alteration remains unclear.